The following is an entry in ClinVar:

NM_000044.6(AR):c.171GCA[14] (p.Gln72_Gln80del)

Genes: AR (androgen receptor; plus strand), LOC109504725 (androgen receptor repeat instability region; plus strand). Cytogenetic location: Xq12.
Variant type: Microsatellite.
Coding change: c.171GCA[14] on transcript NM_000044.6 (MANE Select); 14 copies in a row of the 3-base unit GCA starting at c.171; the reference has 23 copies in a row; nine copies, 27 bases deleted; also written c.213_239del.
Protein change: p.Gln72_Gln80del.
Molecular consequence: inframe deletion. On other transcripts: 5 prime UTR variant (1).
Genome position (GRCh38, 1-based): chrX:67,545,359-67,545,385, GCAGCAGCAGCAGCAGCAGCAGCAGCA deleted; deleting any 27 consecutive bases within chrX:67,545,317-67,545,385 gives the same sequence; the position shown is the placement nearest the transcript's 3' end. VCF-style (leftmost placement, unchanged base first): chrX-67545316-TGCAGCAGCAGCAGCAGCAGCAGCAGCA-T. GRCh37 (hg19) VCF-style: chrX-66765158-TGCAGCAGCAGCAGCAGCAGCAGCAGCA-T.
Other names: c.213_239del27 (NM_000044.3); c.-1613GCA[14] (NM_001011645.3); c.171GCA[14], p.Gln72_Gln80del (NM_001348061.1, NM_001348063.1, NM_001348064.1); c.213_239del (NM_000044.6).
Identifiers: ClinVar variation 516217 (VCV000516217.30), dbSNP rs3032358, ClinGen allele CA645610420.

ClinVar aggregate classification (germline): Likely benign. Review status: criteria provided, multiple submitters, no conflicts (2 of 4 stars). 6 submissions from 6 submitters: Likely benign (5). 1 of the submissions does not count toward it. Last evaluated 2025-02-16.

Conditions:
AR-related disorder. Also called: AR-related condition.
Partial androgen insensitivity syndrome (PAIS). Also called: Gynecomastia, familial; Reifenstein syndrome; Pseudohermaphroditism, Incomplete male, type I; Reifenstein syndrome, partial; Androgen resistance syndrome, partial; Type I familial incomplete male pseudohermaphroditism. Identifiers: Orphanet 90797, MedGen C0268301, MONDO:0010720, OMIM 312300.
Prostate cancer. Also called: Malignant tumor of prostate. Identifiers: Orphanet 1331, MedGen C0376358, MONDO:0008315, HP:0012125.
Kennedy disease (SMAX1). Also called: SPINAL AND BULBAR MUSCULAR ATROPHY, X-LINKED 1; Spinal and Bulbar Muscular Atrophy; KENNEDY SPINAL AND BULBAR MUSCULAR ATROPHY. Identifiers: Orphanet 481, MedGen C1839259, MONDO:0010735, OMIM 313200.
Hypospadias 1, X-linked (HYSP1). Identifiers: Orphanet 440, MedGen C2678098, MONDO:0010384, OMIM 300633.
Androgen resistance syndrome (AIS). Also called: Androgen insensitivity syndrome due to coactivator deficiency; Androgen insensitivity, complete; Androgen insensitivity; DHTR DEFICIENCY; Androgen insensitivity syndrome; ANDROGEN RECEPTOR DEFICIENCY. Identifiers: Orphanet 754, Orphanet 99429, MedGen C0039585, MONDO:0019154, OMIM 300068. Disease mechanism: loss of function.

Submissions (6):

Laboratory of Genetics, Children's Clinical University Hospital Latvia
Classification: Likely benign. Last evaluated: 2025-02-16. Review status: criteria provided, single submitter. Criteria: ACMG Guidelines, 2015. Collection method: clinical testing. Allele origin: germline. Affected: yes.

Blueprint Genetics
Classification: Likely benign. Last evaluated: 2024-11-27. Review status: criteria provided, single submitter. Criteria: ACMG Guidelines, 2015. Collection method: clinical testing. Allele origin: germline.

CeGaT Center for Human Genetics Tuebingen
Classification: Likely benign. Last evaluated: 2023-07-01. Review status: criteria provided, single submitter. Criteria: CeGaT Center For Human Genetics Tuebingen Variant Classification Criteria Version 2. Collection method: clinical testing. Allele origin: germline. Affected: yes. Observed: 2 variant alleles.
Comment: AR: BS2

Fulgent Genetics
Classification: Likely benign for Familial prostate cancer; Androgen resistance syndrome; Hypospadias 1, X-linked; Partial androgen insensitivity syndrome; Kennedy disease. Last evaluated: 2021-07-31. Review status: criteria provided, single submitter. Criteria: ACMG Guidelines, 2015. Collection method: clinical testing. Allele origin: unknown.

GeneDx
Classification: Likely benign. Last evaluated: 2018-02-19. Review status: criteria provided, single submitter. Criteria: GeneDx Variant Classification (06012015). Collection method: clinical testing. Allele origin: germline. Affected: yes.
Comment: This variant is considered likely benign or benign based on one or more of the following criteria: it is a conservative change, it occurs at a poorly conserved position in the protein, it is predicted to be benign by multiple in silico algorithms, and/or has population frequency not consistent with disease.

PreventionGenetics, part of Exact Sciences
Classification: Benign for AR-related condition. Last evaluated: 2021-09-29. Review status: no assertion criteria provided. Collection method: clinical testing. Allele origin: germline. Not counted in ClinVar's aggregate classification.
Comment: This variant is classified as benign based on ACMG/AMP sequence variant interpretation guidelines (Richards et al. 2015 PMID: 25741868, with internal and published modifications).